The following is an entry in ClinVar:

ClinVar aggregate classification (germline): Uncertain significance. Review status: criteria provided, multiple submitters, no conflicts (2 of 4 stars). 2 submissions from 2 submitters: Uncertain significance (2). Last evaluated 2025-06-08.

Conditions:
Hereditary cancer-predisposing syndrome. Also called: Neoplastic Syndromes, Hereditary; Hereditary neoplastic syndrome; Tumor predisposition; Hereditary Cancer Syndrome. Identifiers: Orphanet 140162, MedGen C0027672, MeSH D009386, MONDO:0015356.
Pheochromocytoma. Also called: MAX-Related Hereditary Paraganglioma-Pheochromocytoma Syndrome. Identifiers: Orphanet 29072, MedGen C0031511, MONDO:0008233, OMIM 171300, HP:0002666.

Submissions (2):

Ambry Genetics
Classification: Uncertain significance for Hereditary cancer-predisposing syndrome. Last evaluated: 2025-06-08. Review status: criteria provided, single submitter. Criteria: Ambry Variant Classification Scheme 2023. Collection method: clinical testing. Allele origin: germline.
Comment: The p.E215Q variant (also known as c.643G>C), located in coding exon 3 of the TMEM127 gene, results from a G to C substitution at nucleotide position 643. The glutamic acid at codon 215 is replaced by glutamine, an amino acid with highly similar properties. This amino acid position is conserved. In addition, this alteration is predicted to be deleterious by in silico analysis. Based on the available evidence, the clinical significance of this variant remains unclear.

Baylor Genetics
Classification: Uncertain significance for Pheochromocytoma. Last evaluated: 2023-07-04. Review status: criteria provided, single submitter. Criteria: ACMG Guidelines, 2015. Collection method: clinical testing. Allele origin: unknown.

NM_017849.4(TMEM127):c.643G>C (p.Glu215Gln)

Gene: TMEM127 (transmembrane protein 127; minus strand). Cytogenetic location: 2q11.2.
Variant type: single nucleotide variant.
Coding change: c.643G>C on transcript NM_017849.4 (MANE Select); coding-DNA position 643, G replaced by C.
Protein change: p.Glu215Gln; replaces glutamic acid 215 with glutamine.
Molecular consequence: missense variant.
Genome position (GRCh38, 1-based): chr2:96,253,882, C>G on the plus strand (G>C on the coding strand, the complement: TMEM127 is on the minus strand). VCF-style: chr2-96253882-C-G. GRCh37 (hg19) VCF-style: chr2-96919620-C-G.
Other names: c.643G>C, p.Glu215Gln (NM_001193304.3); c.391G>C, p.Glu131Gln (NM_001407282.1, NM_001407283.1); short protein forms E131Q, E215Q.
Identifiers: ClinVar variation 2679215 (VCV002679215.2), dbSNP rs2467262858, ClinGen allele CA347651671.